The following is an entry in ClinVar:

NM_001329943.3(KIAA0586):c.1352G>A (p.Ser451Asn)

Gene: KIAA0586 (KIAA0586; plus strand). Cytogenetic location: 14q23.1.
Variant type: single nucleotide variant.
Coding change: c.1352G>A on transcript NM_001329943.3 (MANE Select); coding-DNA position 1352, G replaced by A.
Protein change: p.Ser451Asn; replaces serine 451 with asparagine.
Molecular consequence: missense variant.
Genome position (GRCh38, 1-based): chr14:58,456,800, G>A. VCF-style: chr14-58456800-G-A. GRCh37 (hg19) VCF-style: chr14-58923518-G-A.
Other names: c.1511G>A, p.Ser504Asn (NM_001244189.2); c.1307G>A, p.Ser436Asn (NM_001244190.2); c.1097G>A, p.Ser366Asn (NM_001244191.2, NM_001329945.2, NM_001364700.1 and 1 more transcripts); c.1220G>A, p.Ser407Asn (NM_001244192.2); c.932G>A, p.Ser311Asn (NM_001244193.2); c.1352G>A, p.Ser451Asn (NM_001329944.2, NM_001329946.2, NM_001329947.2 and 1 more transcripts); short protein forms S366N, S407N, S436N, S311N, S451N, S504N.
Identifiers: ClinVar variation 4794452 (VCV004794452.1).

ClinVar aggregate classification (germline): Uncertain significance (1 of 4 stars; one submission).

Conditions:
Joubert syndrome 23 (JBTS23). Identifiers: Orphanet 475, MedGen C4084822, MONDO:0014664, OMIM 616490.
Short-rib thoracic dysplasia 14 with polydactyly (SRTD14). Identifiers: Orphanet 397715, MedGen C4225286, MONDO:0014688, OMIM 616546.

gnomAD v4.1: 13 of 1,569,428 alleles (0.00083%); highest among the groups gnomAD compares: Non-Finnish European, 0.001%; no homozygotes.

Submission:

Labcorp Genetics (formerly Invitae), Labcorp
Classification: Uncertain significance for Joubert syndrome 23; Short-rib thoracic dysplasia 14 with polydactyly. Last evaluated: 2025-07-22. Review status: criteria provided, single submitter. Criteria: Invitae Variant Classification Sherloc (09022015). Collection method: clinical testing. Allele origin: germline.
Comment: This sequence change replaces serine, which is neutral and polar, with asparagine, which is neutral and polar, at codon 504 of the KIAA0586 protein (p.Ser504Asn). The frequency data for this variant in the population databases is considered unreliable, as metrics indicate poor data quality at this position in the gnomAD database. This variant has not been reported in the literature in individuals affected with KIAA0586-related conditions. Invitae Evidence Modeling of protein sequence and biophysical properties (such as structural, functional, and spatial information, amino acid conservation, physicochemical variation, residue mobility, and thermodynamic stability) indicates that this missense variant is not expected to disrupt KIAA0586 protein function with a negative predictive value of 80%. In summary, the available evidence is currently insufficient to determine the role of this variant in disease. Therefore, it has been classified as a Variant of Uncertain Significance.